The following is an entry in ClinVar:

ClinVar aggregate classification (germline): Uncertain significance (1 of 4 stars; one submission).

Submission:

Labcorp Genetics (formerly Invitae), Labcorp
Classification: Uncertain significance. Last evaluated: 2023-12-10. Review status: criteria provided, single submitter. Criteria: Invitae Variant Classification Sherloc (09022015). Collection method: clinical testing. Allele origin: germline.
Comment: This sequence change replaces serine, which is neutral and polar, with arginine, which is basic and polar, at codon 23 of the GUCY2C protein (p.Ser23Arg). This variant is not present in population databases (gnomAD no frequency). This variant has not been reported in the literature in individuals affected with GUCY2C-related conditions. An algorithm developed to predict the effect of missense changes on protein structure and function (PolyPhen-2) suggests that this variant is likely to be tolerated. In summary, the available evidence is currently insufficient to determine the role of this variant in disease. Therefore, it has been classified as a Variant of Uncertain Significance.

NM_004963.4(GUCY2C):c.69T>A (p.Ser23Arg)

Genes: GUCY2C (guanylate cyclase 2C; minus strand), GUCY2C-AS1 (GUCY2C antisense RNA 1; plus strand). Cytogenetic location: 12p12.3.
Variant type: single nucleotide variant.
Coding change: c.69T>A on transcript NM_004963.4 (MANE Select); coding-DNA position 69, T replaced by A.
Protein change: p.Ser23Arg; replaces serine 23 with arginine.
Molecular consequence: missense variant.
Genome position (GRCh38, 1-based): chr12:14,696,380, A>T on the plus strand (T>A on the coding strand, the complement: GUCY2C is on the minus strand). VCF-style: chr12-14696380-A-T. GRCh37 (hg19) VCF-style: chr12-14849314-A-T.
Other names: short protein forms S23R.
Identifiers: ClinVar variation 2701925 (VCV002701925.3), dbSNP rs2497846494, ClinGen allele CA384009224.